The following is an entry in ClinVar:

NM_004990.4(MARS1):c.1369-11C>T

Gene: MARS1 (methionyl-tRNA synthetase 1; plus strand). Cytogenetic location: 12q13.3.
Variant type: single nucleotide variant.
Coding change: c.1369-11C>T on transcript NM_004990.4 (MANE Select); 11 bases into the intron before coding-DNA position 1369, C replaced by T.
Molecular consequence: intron variant.
Genome position (GRCh38, 1-based): chr12:57,511,687, C>T. VCF-style: chr12-57511687-C-T. GRCh37 (hg19) VCF-style: chr12-57905470-C-T.
Identifiers: ClinVar variation 388752 (VCV000388752.10), dbSNP rs377436527, ClinGen allele CA6650506.

ClinVar aggregate classification (germline): Benign/Likely benign. Review status: criteria provided, multiple submitters, no conflicts (2 of 4 stars). 3 submissions from 3 submitters: Benign (1); Likely benign (2). Last evaluated 2025-09-30.

Conditions:
Severe early-onset pulmonary alveolar proteinosis due to MARS deficiency. Also called: PULMONARY ALVEOLAR PROTEINOSIS, REUNION ISLAND; Interstitial lung and liver disease. Identifiers: Orphanet 440427, MedGen C4225400, MONDO:0014206, OMIM 615486.
Charcot-Marie-Tooth disease axonal type 2U. Also called: CHARCOT-MARIE-TOOTH NEUROPATHY, TYPE 2U; CHARCOT-MARIE-TOOTH DISEASE, AXONAL, AUTOSOMAL DOMINANT, TYPE 2U. Identifiers: Orphanet 397735, MedGen C4084821, MONDO:0014566, OMIM 616280.

Allele frequency attached by ClinVar (database versions not stated): gnomAD 0.00003 and 0.00025; TOPMed 0.00009; ExAC 0.00120; 1000 Genomes Project 0.00180; 1000 Genomes Project 30x 0.00187.
gnomAD v4.1: 899 of 1,613,954 alleles (0.056%); highest among the groups gnomAD compares: South Asian, 0.91%; 7 homozygotes.

Submissions (3):

Labcorp Genetics (formerly Invitae), Labcorp
Classification: Benign for Charcot-Marie-Tooth disease axonal type 2U; Severe early-onset pulmonary alveolar proteinosis due to MARS deficiency. Last evaluated: 2025-09-30. Review status: criteria provided, single submitter. Criteria: Invitae Variant Classification Sherloc (09022015). Collection method: clinical testing. Allele origin: germline.

Blueprint Genetics
Classification: Likely benign. Last evaluated: 2024-08-12. Review status: criteria provided, single submitter. Criteria: ACMG Guidelines, 2015. Collection method: clinical testing. Allele origin: germline.

GeneDx
Classification: Likely benign. Last evaluated: 2017-04-04. Review status: criteria provided, single submitter. Criteria: GeneDx Variant Classification (06012015). Collection method: clinical testing. Allele origin: germline. Affected: yes.
Comment: This variant is considered likely benign or benign based on one or more of the following criteria: it is a conservative change, it occurs at a poorly conserved position in the protein, it is predicted to be benign by multiple in silico algorithms, and/or has population frequency not consistent with disease.